The following is an entry in ClinVar:

ClinVar aggregate classification (germline): Likely benign (1 of 4 stars; one submission).

Conditions:
Ehlers-Danlos syndrome, type 4 (EDSVASC). Also called: Ehlers-Danlos syndrome vascular type; Ehlers Danlos syndrome, ecchymotic type; Ehlers Danlos syndrome, arterial type; Ehlers Danlos syndrome, Sack-Barabas type; Ehlers-Danlos Syndrome Type IV. Identifiers: Orphanet 286, MedGen C0268338, MONDO:0017314, OMIM 130050.

gnomAD v4.1: 1 of 1,613,840 alleles (0.000062%); highest among the groups gnomAD compares: Non-Finnish European, 0.000085%; no homozygotes.

Submission:

All of Us Research Program, National Institutes of Health
Classification: Likely benign for Ehlers-Danlos syndrome, type 4. Last evaluated: 2024-05-30. Review status: criteria provided, single submitter. Criteria: ACMG Guidelines, 2015. Collection method: clinical testing. Allele origin: germline. Inheritance: Autosomal dominant inheritance. Observed: 1 variant allele, 1 heterozygote.
Comment: This study involves interpretation of variants in research participants for the purpose of population health screening. Participant phenotype was not available at the time of variant classification. Additional details can be found in publication PMID: 35346344, PMCID: PMC8962531

NM_000090.4(COL3A1):c.3300T>C (p.Arg1100=)

Gene: COL3A1 (collagen type III alpha 1 chain; plus strand). Cytogenetic location: 2q32.2.
Variant type: single nucleotide variant.
Coding change: c.3300T>C on transcript NM_000090.4 (MANE Select); coding-DNA position 3300, T replaced by C.
Protein change: p.Arg1100=; no amino-acid change (arginine 1100 retained).
Molecular consequence: synonymous variant.
Genome position (GRCh38, 1-based): chr2:189,007,544, T>C. VCF-style: chr2-189007544-T-C. GRCh37 (hg19) VCF-style: chr2-189872270-T-C.
Identifiers: ClinVar variation 3386483 (VCV003386483.1).